The following is an entry in ClinVar:

NM_020975.6(RET):c.1264-4C>T

Gene: RET (ret proto-oncogene; plus strand). Cytogenetic location: 10q11.21.
Variant type: single nucleotide variant.
Coding change: c.1264-4C>T on transcript NM_020975.6 (MANE Select); 4 bases into the intron before coding-DNA position 1264, C replaced by T.
Molecular consequence: intron variant.
Genome position (GRCh38, 1-based): chr10:43,111,203, C>T. VCF-style: chr10-43111203-C-T. GRCh37 (hg19) VCF-style: chr10-43606651-C-T.
Other names: c.1264-4C>T (NM_020630.7, NM_001406743.1, NM_001406744.1 and 4 more transcripts); c.868-4C>T (NM_001406772.1, NM_001406769.1); c.826-4C>T (NM_001406773.1, NM_001406771.1); c.626-896C>T (NM_001406782.1, NM_001406780.1, NM_001406779.1 and 3 more transcripts); c.1135-4C>T (NM_001406764.1, NM_001406762.1, NM_001406761.1 and 1 more transcripts); c.739-4C>T (NM_001406774.1); c.497-896C>T (NM_001406786.1, NM_001406783.1); c.976-4C>T (NM_001406770.1, NM_001406766.1, NM_001406767.1); and 5 more.
Identifiers: ClinVar variation 136097 (VCV000136097.57), dbSNP rs587780806, ClinGen allele CA007491.

ClinVar aggregate classification (germline): Benign/Likely benign. Review status: criteria provided, multiple submitters, no conflicts (2 of 4 stars). 9 submissions from 8 submitters: Benign (1); Likely benign (5). 3 of the submissions do not count toward it. Last evaluated 2026-01-28.

Conditions:
RET-related disorder. Also called: RET-related condition; RET-related disease; RET-related disorders.
Hereditary cancer-predisposing syndrome. Also called: Tumor predisposition; Hereditary neoplastic syndrome; Hereditary Cancer Syndrome; Neoplastic Syndromes, Hereditary. Identifiers: Orphanet 140162, MedGen C0027672, MeSH D009386, MONDO:0015356.
Multiple endocrine neoplasia, type 2 (MEN2). Identifiers: Orphanet 653, MedGen C4048306, MONDO:0019003. Disease mechanism: gain of function.
Multiple endocrine neoplasia type 2B. Also called: MEN 2B; MUCOSAL NEUROMA SYNDROME; NEUROMATA, MUCOSAL, WITH ENDOCRINE TUMORS; WAGENMANN-FROBOESE SYNDROME; MULTIPLE ENDOCRINE NEOPLASIA, TYPE III; Multiple Endocrine Neoplasia Type 2B (MEN2B). Identifiers: Orphanet 247709, Orphanet 653, MedGen C0025269, MeSH D018814, MONDO:0008082, OMIM 162300.
Multiple endocrine neoplasia type 2A. Also called: Multiple Endocrine Neoplasia Type 2A (MEN2A); MULTIPLE ENDOCRINE NEOPLASIA, TYPE IIA; PTC SYNDROME; SIPPLE SYNDROME; MEN 2A; MEN-2A syndrome. Identifiers: Orphanet 247698, Orphanet 653, MedGen C0025268, MeSH D018813, MONDO:0008234, OMIM 171400.

Allele frequency attached by ClinVar (database versions not stated): gnomAD 0.00002 and 0.00003; TOPMed 0.00004; gnomAD exomes 0.00006 and 0.00009; ExAC 0.00010.
gnomAD v4.1: 99 of 1,613,542 alleles (0.0061%); highest among the groups gnomAD compares: South Asian, 0.047%; no homozygotes.

Submissions (9):

Labcorp Genetics (formerly Invitae), Labcorp
Classification: Likely benign for Multiple endocrine neoplasia, type 2. Last evaluated: 2026-01-28. Review status: criteria provided, single submitter. Criteria: Invitae Variant Classification Sherloc (09022015). Collection method: clinical testing. Allele origin: germline.

Quest Diagnostics Nichols Institute San Juan Capistrano
Classification: Likely benign. Last evaluated: 2025-05-02. Review status: criteria provided, single submitter. Criteria: Quest Diagnostics criteria. Collection method: clinical testing. Allele origin: unknown.

Center for Genomic Medicine, Rigshospitalet, Copenhagen University Hospital
Classification: Likely benign. Last evaluated: 2025-03-04. Review status: criteria provided, single submitter. Criteria: ACMG Guidelines, 2015. Collection method: clinical testing. Allele origin: germline.

Ambry Genetics
Classification: Benign for Hereditary cancer-predisposing syndrome. Last evaluated: 2023-03-02. Review status: criteria provided, single submitter. Criteria: Ambry Variant Classification Scheme 2023. Collection method: clinical testing. Allele origin: germline.

Color Diagnostics, LLC DBA Color Health
Classification: Likely benign for Multiple endocrine neoplasia, type 2. Last evaluated: 2022-11-28. Review status: criteria provided, single submitter. Criteria: ACMG Guidelines, 2015. Collection method: clinical testing. Allele origin: germline.

CeGaT Center for Human Genetics Tuebingen
Classification: Likely benign. Last evaluated: 2021-09-01. Review status: criteria provided, single submitter. Criteria: CeGaT Center For Human Genetics Tuebingen Variant Classification Criteria Version 2. Collection method: clinical testing. Allele origin: germline. Affected: yes. Observed: 1 variant allele.

PreventionGenetics, part of Exact Sciences
Classification: Likely benign for RET-related condition. Last evaluated: 2020-10-22. Review status: no assertion criteria provided. Collection method: clinical testing. Allele origin: germline. Not counted in ClinVar's aggregate classification.
Comment: This variant is classified as likely benign based on ACMG/AMP sequence variant interpretation guidelines (Richards et al. 2015 PMID: 25741868, with internal and published modifications).

Counsyl
Classification: Likely benign for Multiple endocrine neoplasia type 2B. Last evaluated: 2016-10-31. Review status: no assertion criteria provided. Collection method: clinical testing. Allele origin: unknown. Not counted in ClinVar's aggregate classification.

Counsyl
Classification: Likely benign for Multiple endocrine neoplasia type 2A. Last evaluated: 2016-10-31. Review status: no assertion criteria provided. Collection method: clinical testing. Allele origin: unknown. Not counted in ClinVar's aggregate classification.